The following is an entry in ClinVar:

NM_002184.4(IL6ST):c.1840+3A>G

Gene: IL6ST (interleukin 6 cytokine family signal transducer; minus strand). Cytogenetic location: 5q11.2.
Variant type: single nucleotide variant.
Coding change: c.1840+3A>G on transcript NM_002184.4 (MANE Select); 3 bases into the intron after coding-DNA position 1840, A replaced by G.
Molecular consequence: intron variant.
Genome position (GRCh38, 1-based): chr5:55,951,461, T>C on the plus strand (A>G on the coding strand, the complement: IL6ST is on the minus strand). VCF-style: chr5-55951461-T-C. GRCh37 (hg19) VCF-style: chr5-55247289-T-C.
Other names: c.1630+3A>G (NM_001364276.2); c.844+3A>G (NM_001364279.2); c.937+3A>G (NM_001364278.2); c.973+3A>G (NM_001364277.2); c.*767+3A>G (NM_175767.3); c.1657+3A>G (NM_001190981.2); c.1738+3A>G (NM_001364275.2).
Identifiers: ClinVar variation 4776296 (VCV004776296.1).
Genomic context (GRCh38, chr5:55,951,461, plus strand): 5'-AACTAAGTTCATTTCTAACCTAAGTTTGAGAAAGAAAAAAAACCAAACTTCATTATTTCT[T>C]ACCAAACTTTGGGGTAGTAAAAGTGAATTCTGGACCATCCTTCCCACCTTCATCTGTGTA-3'

ClinVar aggregate classification (germline): Uncertain significance (1 of 4 stars; one submission).

gnomAD v4.1: 2 of 1,606,576 alleles (0.00012%); highest among the groups gnomAD compares: Non-Finnish European, 0.00017%; no homozygotes.

Submission:

Labcorp Genetics (formerly Invitae), Labcorp
Classification: Uncertain significance. Last evaluated: 2025-05-30. Review status: criteria provided, single submitter. Criteria: Invitae Variant Classification Sherloc (09022015). Collection method: clinical testing. Allele origin: germline.
Comment: This sequence change falls in intron 14 of the IL6ST gene. It does not directly change the encoded amino acid sequence of the IL6ST protein. It affects a nucleotide within the consensus splice site. This variant is not present in population databases (gnomAD no frequency). This variant has not been reported in the literature in individuals affected with IL6ST-related conditions. Variants that disrupt the consensus splice site are a relatively common cause of aberrant splicing (PMID: 17576681, 9536098). Algorithms developed to predict the effect of sequence changes on RNA splicing suggest that this variant may disrupt the consensus splice site. In summary, the available evidence is currently insufficient to determine the role of this variant in disease. Therefore, it has been classified as a Variant of Uncertain Significance.

Literature cited by the submitters: PubMed 17576681; PubMed 9536098.